The following is an entry in ClinVar:

ClinVar aggregate classification (germline): Uncertain significance (1 of 4 stars; one submission).

Allele frequency attached by ClinVar (database versions not stated): gnomAD exomes below 0.00001; gnomAD 0.00001; ExAC 0.00004.
gnomAD v4.1: 5 of 1,569,650 alleles (0.00032%); highest among the groups gnomAD compares: Non-Finnish European, 0.00043%; no homozygotes.

Submission:

GeneDx
Classification: Uncertain significance. Last evaluated: 2022-01-05. Review status: criteria provided, single submitter. Criteria: GeneDx Variant Classification Process June 2021. Collection method: clinical testing. Allele origin: germline. Affected: yes.
Comment: In silico analysis supports that this missense variant has a deleterious effect on protein structure/function; Has not been previously published as pathogenic or benign to our knowledge

NM_001080453.3(INTS1):c.6101T>G (p.Val2034Gly)

Gene: INTS1 (integrator complex subunit 1; minus strand). Cytogenetic location: 7p22.3.
Variant type: single nucleotide variant.
Coding change: c.6101T>G on transcript NM_001080453.3 (MANE Select); coding-DNA position 6101, T replaced by G.
Protein change: p.Val2034Gly; replaces valine 2034 with glycine.
Molecular consequence: missense variant.
Genome position (GRCh38, 1-based): chr7:1,472,356, A>C on the plus strand (T>G on the coding strand, the complement: INTS1 is on the minus strand). VCF-style: chr7-1472356-A-C. GRCh37 (hg19) VCF-style: chr7-1511992-A-C.
Other names: short protein forms V2034G.
Identifiers: ClinVar variation 1695718 (VCV001695718.2), dbSNP rs780692540, ClinGen allele CA4118113.